The following is an entry in ClinVar:

NM_001378120.1(MBD5):c.2518+6G>A

Gene: MBD5 (methyl-CpG binding domain protein 5; plus strand). Cytogenetic location: 2q23.1.
Variant type: single nucleotide variant.
Coding change: c.2518+6G>A on transcript NM_001378120.1 (MANE Select); 6 bases into the intron after coding-DNA position 2518, G replaced by A.
Molecular consequence: intron variant.
Genome position (GRCh38, 1-based): chr2:148,470,467, G>A. VCF-style: chr2-148470467-G-A. GRCh37 (hg19) VCF-style: chr2-149228036-G-A.
Other names: c.2518+6G>A (NM_018328.5).
Identifiers: ClinVar variation 2987107 (VCV002987107.3), dbSNP rs374451145, ClinGen allele CA1900150.
Genomic context (GRCh38, chr2:148,470,467, plus strand): 5'-CCAGTGATACCAAACAGCATTGTTAGCAGCTATAATCAAACAAGTTCTGAAGCAGGTATG[G>A]TTTTATTAGAAAAAAGTACCCAAAGGTACTAAACTTTTCTACTTTTTTAAAAAATTTGTA-3'

ClinVar aggregate classification (germline): Uncertain significance (1 of 4 stars; one submission).

Conditions:
Intellectual developmental disorder, autosomal dominant 1. Also called: MBD5 Haploinsufficiency; Intellectual disability, autosomal dominant 1. Identifiers: Orphanet 228402, MedGen C1969562, MONDO:0007974, OMIM 156200.

Allele frequency attached by ClinVar (database versions not stated): ExAC 0.00001; ESP Exome Variant Server 0.00008.

Submission:

Labcorp Genetics (formerly Invitae), Labcorp
Classification: Uncertain significance for Intellectual developmental disorder, autosomal dominant 1. Last evaluated: 2023-05-30. Review status: criteria provided, single submitter. Criteria: Invitae Variant Classification Sherloc (09022015). Collection method: clinical testing. Allele origin: germline.
Comment: In summary, the available evidence is currently insufficient to determine the role of this variant in disease. Therefore, it has been classified as a Variant of Uncertain Significance. This sequence change falls in intron 9 of the MBD5 gene. It does not directly change the encoded amino acid sequence of the MBD5 protein. It affects a nucleotide within the consensus splice site. This variant is present in population databases (rs374451145, gnomAD 0.01%). This variant has not been reported in the literature in individuals affected with MBD5-related conditions. Variants that disrupt the consensus splice site are a relatively common cause of aberrant splicing (PMID: 17576681, 9536098). Algorithms developed to predict the effect of sequence changes on RNA splicing suggest that this variant is not likely to affect RNA splicing.

Literature cited by the submitters: PubMed 17576681; PubMed 9536098.